The following is an entry in ClinVar:

ClinVar aggregate classification (germline): Pathogenic (1 of 4 stars; one submission).

Conditions:
Propionic acidemia (PROP). Also called: GLYCINEMIA, KETOTIC; HYPERGLYCINEMIA WITH KETOACIDOSIS AND LEUKOPENIA; KETOTIC HYPERGLYCINEMIA. Identifiers: Orphanet 35, MedGen C0268579, MONDO:0011628, OMIM 606054, HP:0003571.

Submission:

Myriad Genetics, Inc.
Classification: Pathogenic for Propionic acidemia. Last evaluated: 2024-03-09. Review status: criteria provided, single submitter. Criteria: Myriad Autosomal Dominant, Autosomal Recessive and X-Linked Classification Criteria (2023). Collection method: clinical testing. Allele origin: unknown.
Comment: NM_000282.3(PCCA):c.706delG(E236Kfs*24) is expected to be pathogenic in the context of PCCA-related propionic acidemia. This variant is predicted to lead to an abnormal or absent protein product due to the creation of a premature termination codon in PCCA, a gene where loss-of-function variants are known to be pathogenic. Please note: this variant was assessed in the context of healthy population screening.

NM_000282.4(PCCA):c.706del (p.Glu236fs)

Gene: PCCA (propionyl-CoA carboxylase subunit alpha; plus strand). Cytogenetic location: 13q32.3.
Variant type: Deletion.
Coding change: c.706del on transcript NM_000282.4 (MANE Select); coding-DNA position 706, one base deleted (G; older notation c.706delG).
Protein change: p.Glu236fs; shifts the reading frame from glutamic acid 236.
Molecular consequence: frameshift variant. On other transcripts: non-coding transcript variant (5), intron variant (3).
Genome position (GRCh38, 1-based): chr13:100,257,663, G deleted. VCF-style (leftmost placement, unchanged base first): chr13-100257662-TG-T. GRCh37 (hg19) VCF-style: chr13-100909916-TG-T.
Other names: c.628del, p.Glu210fs (NM_001127692.3, NM_001352607.2, NM_001352608.2); c.706del, p.Glu236fs (NM_001178004.2, NM_001352605.2, NM_001352606.2 and 1 more transcripts); c.-229-5066del (NM_001352610.2, NM_001352611.2, NM_001352612.2); short protein forms E210fs, E236fs.
Identifiers: ClinVar variation 5012811 (VCV005012811.1).